The following is an entry in ClinVar:

ClinVar aggregate classification (germline): Uncertain significance. Review status: criteria provided, multiple submitters, no conflicts (2 of 4 stars). 2 submissions from 2 submitters: Uncertain significance (2). Last evaluated 2025-10-16.

Conditions:
Hereditary cancer-predisposing syndrome. Also called: Tumor predisposition; Hereditary Cancer Syndrome; Hereditary neoplastic syndrome; Neoplastic Syndromes, Hereditary. Identifiers: Orphanet 140162, MedGen C0027672, MeSH D009386, MONDO:0015356.
Familial adenomatous polyposis 1 (FAP1). Also called: FAMILIAL ADENOMATOUS POLYPOSIS 1, ATTENUATED; POLYPOSIS, ADENOMATOUS INTESTINAL. Identifiers: MedGen C2713442, MONDO:0021056, OMIM 175100. Disease mechanism: loss of function.

Allele frequency attached by ClinVar (database versions not stated): gnomAD exomes below 0.00001; ExAC 0.00001.
gnomAD v4.1: 1 of 1,613,960 alleles (0.000062%); highest among the groups gnomAD compares: East Asian, 0.0022%; no homozygotes.

Submissions (2):

Ambry Genetics
Classification: Uncertain significance for Hereditary cancer-predisposing syndrome. Last evaluated: 2025-10-16. Review status: criteria provided, single submitter. Criteria: Ambry Variant Classification Scheme 2023. Collection method: clinical testing. Allele origin: germline.
Comment: The p.P750L variant (also known as c.2249C>T), located in coding exon 15 of the APC gene, results from a C to T substitution at nucleotide position 2249. The proline at codon 750 is replaced by leucine, an amino acid with similar properties. This amino acid position is conserved. In addition, in silico predictors for this gene do not accurately predict pathogenicity. Based on the available evidence, the clinical significance of this variant remains unclear.

Labcorp Genetics (formerly Invitae), Labcorp
Classification: Uncertain significance for Familial adenomatous polyposis 1. Last evaluated: 2017-08-09. Review status: criteria provided, single submitter. Criteria: Invitae Variant Classification Sherloc (09022015). Collection method: clinical testing. Allele origin: germline.
Comment: In summary, the available evidence is currently insufficient to determine the role of this variant in disease. Therefore, it has been classified as a Variant of Uncertain Significance. Algorithms developed to predict the effect of missense changes on protein structure and function do not agree on the potential impact of this missense change (SIFT: "Deleterious"; PolyPhen-2: "Probably Damaging"; Align-GVGD: "Class C0"). This variant has not been reported in the literature in individuals with APC-related disease. This variant is present in population databases (rs759703170, ExAC 0.01%). This sequence change replaces proline with leucine at codon 750 of the APC protein (p.Pro750Leu). The proline residue is highly conserved and there is a moderate physicochemical difference between proline and leucine.

NM_000038.6(APC):c.2249C>T (p.Pro750Leu)

Gene: APC (APC regulator of Wnt signaling pathway; plus strand). Cytogenetic location: 5q22.2.
Variant type: single nucleotide variant.
Coding change: c.2249C>T on transcript NM_000038.6 (MANE Select); coding-DNA position 2249, C replaced by T.
Protein change: p.Pro750Leu; replaces proline 750 with leucine.
Molecular consequence: missense variant.
Genome position (GRCh38, 1-based): chr5:112,837,843, C>T. VCF-style: chr5-112837843-C-T. GRCh37 (hg19) VCF-style: chr5-112173540-C-T.
Other names: c.2249C>T, p.Pro750Leu (NM_001127510.3, NM_001354895.2); c.2195C>T, p.Pro732Leu (NM_001127511.3); c.2303C>T, p.Pro768Leu (NM_001354896.2); c.2279C>T, p.Pro760Leu (NM_001354897.2); c.2174C>T, p.Pro725Leu (NM_001354898.2); c.2165C>T, p.Pro722Leu (NM_001354899.2); c.2126C>T, p.Pro709Leu (NM_001354900.2); c.2072C>T, p.Pro691Leu (NM_001354901.2); and 5 more; short protein forms P732L, P750L, P590L, P709L, P768L, P725L, P760L, P467L.
Identifiers: ClinVar variation 537549 (VCV000537549.11), dbSNP rs759703170, ClinGen allele CA031499.